The following is an entry in ClinVar:

ClinVar aggregate classification (germline): Uncertain significance (1 of 4 stars; one submission).

Submission:

Labcorp Genetics (formerly Invitae), Labcorp
Classification: Uncertain significance. Last evaluated: 2021-12-20. Review status: criteria provided, single submitter. Criteria: Invitae Variant Classification Sherloc (09022015). Collection method: clinical testing. Allele origin: germline.
Comment: In summary, the available evidence is currently insufficient to determine the role of this variant in disease. Therefore, it has been classified as a Variant of Uncertain Significance. Advanced modeling of protein sequence and biophysical properties (such as structural, functional, and spatial information, amino acid conservation, physicochemical variation, residue mobility, and thermodynamic stability) performed at Invitae indicates that this missense variant is not expected to disrupt MYO15A protein function. This variant has not been reported in the literature in individuals affected with MYO15A-related conditions. This variant is not present in population databases (gnomAD no frequency). This sequence change replaces threonine, which is neutral and polar, with alanine, which is neutral and non-polar, at codon 2654 of the MYO15A protein (p.Thr2654Ala).

NM_016239.4(MYO15A):c.7960A>G (p.Thr2654Ala)

Gene: MYO15A (myosin XVA; plus strand). Cytogenetic location: 17p11.2.
Variant type: single nucleotide variant.
Coding change: c.7960A>G on transcript NM_016239.4 (MANE Select); coding-DNA position 7960, A replaced by G.
Protein change: p.Thr2654Ala; replaces threonine 2654 with alanine.
Molecular consequence: missense variant.
Genome position (GRCh38, 1-based): chr17:18,152,178, A>G. VCF-style: chr17-18152178-A-G. GRCh37 (hg19) VCF-style: chr17-18055492-A-G.
Other names: short protein forms T2654A.
Identifiers: ClinVar variation 2050390 (VCV002050390.4), dbSNP rs2545288886, ClinGen allele CA398622381.